The following is an entry in ClinVar:

ClinVar aggregate classification (germline): Uncertain significance. Review status: criteria provided, single submitter (1 of 4 stars). 2 submissions from 2 submitters: Uncertain significance (1). 1 of the submissions does not count toward it. Last evaluated 2022-11-04.

Conditions:
GALNT3-related disorder. Also called: GALNT3-related condition.

gnomAD v4.1: 1 of 1,611,754 alleles (0.000062%); no homozygotes.

Submissions (2):

Labcorp Genetics (formerly Invitae), Labcorp
Classification: Uncertain significance. Last evaluated: 2022-11-04. Review status: criteria provided, single submitter. Criteria: Invitae Variant Classification Sherloc (09022015). Collection method: clinical testing. Allele origin: germline.
Comment: In summary, the available evidence is currently insufficient to determine the role of this variant in disease. Therefore, it has been classified as a Variant of Uncertain Significance. Advanced modeling of protein sequence and biophysical properties (such as structural, functional, and spatial information, amino acid conservation, physicochemical variation, residue mobility, and thermodynamic stability) performed at Invitae indicates that this missense variant is expected to disrupt GALNT3 protein function. This variant has not been reported in the literature in individuals affected with GALNT3-related conditions. This variant is not present in population databases (gnomAD no frequency). This sequence change replaces cysteine, which is neutral and slightly polar, with arginine, which is basic and polar, at codon 282 of the GALNT3 protein (p.Cys282Arg).

PreventionGenetics, part of Exact Sciences
Classification: Uncertain significance for GALNT3-related condition. Last evaluated: 2024-03-14. Review status: no assertion criteria provided. Collection method: clinical testing. Allele origin: germline. Not counted in ClinVar's aggregate classification.
Comment: The GALNT3 c.844T>C variant is predicted to result in the amino acid substitution p.Cys282Arg. To our knowledge, this variant has not been reported in the literature or in a large population database, indicating this variant is rare. At this time, the clinical significance of this variant is uncertain due to the absence of conclusive functional and genetic evidence.

NM_004482.4(GALNT3):c.844T>C (p.Cys282Arg)

Gene: GALNT3 (polypeptide N-acetylgalactosaminyltransferase 3; minus strand). Cytogenetic location: 2q24.3.
Variant type: single nucleotide variant.
Coding change: c.844T>C on transcript NM_004482.4 (MANE Select); coding-DNA position 844, T replaced by C.
Protein change: p.Cys282Arg; replaces cysteine 282 with arginine.
Molecular consequence: missense variant.
Genome position (GRCh38, 1-based): chr2:165,759,565, A>G on the plus strand (T>C on the coding strand, the complement: GALNT3 is on the minus strand). VCF-style: chr2-165759565-A-G. GRCh37 (hg19) VCF-style: chr2-166616075-A-G.
Other names: c.844T>C (NM_004482.3); short protein forms C282R.
Identifiers: ClinVar variation 2811953 (VCV002811953.4), dbSNP rs2467871377, ClinGen allele CA349037710.